The following is an entry in ClinVar:

NM_001164508.2(NEB):c.7309C>G (p.Arg2437Gly)

Gene: NEB (nebulin; minus strand). Cytogenetic location: 2q23.3.
Variant type: single nucleotide variant.
Coding change: c.7309C>G on transcript NM_001164508.2 (MANE Select); coding-DNA position 7309, C replaced by G.
Protein change: p.Arg2437Gly; replaces arginine 2437 with glycine.
Molecular consequence: missense variant.
Genome position (GRCh38, 1-based): chr2:151,650,298, G>C on the plus strand (C>G on the coding strand, the complement: NEB is on the minus strand). VCF-style: chr2-151650298-G-C. GRCh37 (hg19) VCF-style: chr2-152506812-G-C.
Other names: c.7309C>G, p.Arg2437Gly (NM_001164507.2, NM_001271208.2, NM_004543.5); short protein forms R2437G.
Identifiers: ClinVar variation 2434162 (VCV002434162.7), dbSNP rs375164626, ClinGen allele CA57632984.

ClinVar aggregate classification (germline): Conflicting classifications of pathogenicity. Review status: criteria provided, conflicting classifications (1 of 4 stars). 3 submissions from 3 submitters: Uncertain significance (2); Likely benign (1). Last evaluated 2024-10-02.

Conditions:
Nemaline myopathy 2 (NEM2). Also called: Nemaline myopathy 2, autosomal recessive. Identifiers: MedGen C1850569, MONDO:0009725, OMIM 256030.

gnomAD v4.1: 3 of 1,613,680 alleles (0.00019%); highest among the groups gnomAD compares: African/African-American, 0.004%; no homozygotes.

Submissions (3):

GeneDx
Classification: Uncertain significance. Last evaluated: 2024-10-02. Review status: criteria provided, single submitter. Criteria: GeneDx Variant Classification Process June 2021. Collection method: clinical testing. Allele origin: germline. Affected: yes.
Comment: In silico analysis supports that this missense variant has a deleterious effect on protein structure/function; Has not been previously published as pathogenic or benign to our knowledge

Labcorp Genetics (formerly Invitae), Labcorp
Classification: Likely benign for Nemaline myopathy 2. Last evaluated: 2024-02-01. Review status: criteria provided, single submitter. Criteria: Invitae Variant Classification Sherloc (09022015). Collection method: clinical testing. Allele origin: germline.

Revvity Omics, Revvity
Classification: Uncertain significance. Last evaluated: 2019-12-03. Review status: criteria provided, single submitter. Criteria: ACMG Guidelines, 2015. Collection method: clinical testing. Allele origin: germline.